The following is an entry in ClinVar:

ClinVar aggregate classification (germline): Benign (1 of 4 stars; one submission).

Allele frequency attached by ClinVar (database versions not stated): TOPMed 0.05778; gnomAD 0.06169; 1000 Genomes Project 30x 0.08588; 1000 Genomes Project 0.08327.
gnomAD v4.1: 9,096 of 152,232 alleles (6%); highest among the groups gnomAD compares: South Asian, 12%; 357 homozygotes.

Submission:

GeneDx
Classification: Benign. Last evaluated: 2018-06-14. Review status: criteria provided, single submitter. Criteria: GeneDx Variant Classification (06012015). Collection method: clinical testing. Allele origin: germline. Affected: yes.
Comment: This variant is considered likely benign or benign based on one or more of the following criteria: it is a conservative change, it occurs at a poorly conserved position in the protein, it is predicted to be benign by multiple in silico algorithms, and/or has population frequency not consistent with disease.

NM_024809.5(TCTN2):c.1613-272C>G

Gene: TCTN2 (tectonic family member 2; plus strand). Cytogenetic location: 12q24.31.
Variant type: single nucleotide variant.
Coding change: c.1613-272C>G on transcript NM_024809.5 (MANE Select); 272 bases into the intron before coding-DNA position 1613, C replaced by G.
Molecular consequence: intron variant.
Genome position (GRCh38, 1-based): chr12:123,704,260, C>G. VCF-style: chr12-123704260-C-G. GRCh37 (hg19) VCF-style: chr12-124188807-C-G.
Other names: c.1610-272C>G (NM_001143850.3).
Identifiers: ClinVar variation 673285 (VCV000673285.1), dbSNP rs10773024, ClinGen allele CA245170137.